The following is an entry in ClinVar:

ClinVar aggregate classification (germline): Uncertain significance (1 of 4 stars; one submission).

Allele frequency attached by ClinVar (database versions not stated): TOPMed 0.00002; gnomAD 0.00003.
gnomAD v4.1: 5 of 1,495,346 alleles (0.00033%); highest among the groups gnomAD compares: African/African-American, 0.0073%; no homozygotes.

Submission:

Labcorp Genetics (formerly Invitae), Labcorp
Classification: Uncertain significance. Last evaluated: 2024-07-29. Review status: criteria provided, single submitter. Criteria: Invitae Variant Classification Sherloc (09022015). Collection method: clinical testing. Allele origin: germline.
Comment: This sequence change replaces proline, which is neutral and non-polar, with leucine, which is neutral and non-polar, at codon 20 of the SPEG protein (p.Pro20Leu). This variant is not present in population databases (gnomAD no frequency). This variant has not been reported in the literature in individuals affected with SPEG-related conditions. ClinVar contains an entry for this variant (Variation ID: 1357889). An algorithm developed to predict the effect of missense changes on protein structure and function (PolyPhen-2) suggests that this variant is likely to be tolerated. In summary, the available evidence is currently insufficient to determine the role of this variant in disease. Therefore, it has been classified as a Variant of Uncertain Significance.

NM_005876.5(SPEG):c.59C>T (p.Pro20Leu)

Gene: SPEG (striated muscle enriched protein kinase; plus strand). Cytogenetic location: 2q35.
Variant type: single nucleotide variant.
Coding change: c.59C>T on transcript NM_005876.5 (MANE Select); coding-DNA position 59, C replaced by T.
Protein change: p.Pro20Leu; replaces proline 20 with leucine.
Molecular consequence: missense variant.
Genome position (GRCh38, 1-based): chr2:219,435,036, C>T. VCF-style: chr2-219435036-C-T. GRCh37 (hg19) VCF-style: chr2-220299758-C-T.
Other names: short protein forms P20L.
Identifiers: ClinVar variation 1357889 (VCV001357889.6), dbSNP rs936963608, ClinGen allele CA65993286.